The following is an entry in ClinVar:

ClinVar aggregate classification (germline): Uncertain significance. Review status: criteria provided, multiple submitters, no conflicts (2 of 4 stars). 2 submissions from 2 submitters: Uncertain significance (2). Last evaluated 2026-05-20.

Conditions:
Cardiovascular phenotype. Identifiers: MedGen CN230736.
Catecholaminergic polymorphic ventricular tachycardia 1. Also called: VENTRICULAR TACHYCARDIA, STRESS-INDUCED POLYMORPHIC 1; VENTRICULAR TACHYCARDIA, CATECHOLAMINERGIC POLYMORPHIC, 1, WITH OR WITHOUT ATRIAL DYSFUNCTION AND/OR DILATED CARDIOMYOPATHY; RYR2-Related Catecholaminergic Polymorphic Ventricular Tachycardia. Identifiers: Orphanet 3286, MedGen C1631597, MONDO:0011484, OMIM 604772.

Allele frequency attached by ClinVar (database versions not stated): TOPMed 0.00001; ExAC 0.00002.
gnomAD v4.1: 12 of 1,613,964 alleles (0.00074%); highest among the groups gnomAD compares: South Asian, 0.0022%; no homozygotes.

Submissions (2):

Ambry Genetics
Classification: Uncertain significance for Cardiovascular phenotype. Last evaluated: 2026-05-20. Review status: criteria provided, single submitter. Criteria: Ambry Variant Classification Scheme 2023. Collection method: clinical testing. Allele origin: germline.
Comment: The p.I40T variant (also known as c.119T>C), located in coding exon 2 of the TRDN gene, results from a T to C substitution at nucleotide position 119. The isoleucine at codon 40 is replaced by threonine, an amino acid with similar properties. This amino acid position is conserved. In addition, this alteration is predicted to be tolerated by in silico analysis. Based on the available evidence, the clinical significance of this variant remains unclear.

Labcorp Genetics (formerly Invitae), Labcorp
Classification: Uncertain significance for Catecholaminergic polymorphic ventricular tachycardia 1. Last evaluated: 2022-07-08. Review status: criteria provided, single submitter. Criteria: Invitae Variant Classification Sherloc (09022015). Collection method: clinical testing. Allele origin: germline.
Comment: This variant is present in population databases (rs760326107, gnomAD 0.003%). This sequence change replaces isoleucine, which is neutral and non-polar, with threonine, which is neutral and polar, at codon 40 of the TRDN protein (p.Ile40Thr). This variant has not been reported in the literature in individuals affected with TRDN-related conditions. Algorithms developed to predict the effect of missense changes on protein structure and function are either unavailable or do not agree on the potential impact of this missense change (SIFT: "Deleterious"; PolyPhen-2: "Not Available"; Align-GVGD: "Class C0"). In summary, the available evidence is currently insufficient to determine the role of this variant in disease. Therefore, it has been classified as a Variant of Uncertain Significance.

NM_006073.4(TRDN):c.119T>C (p.Ile40Thr)

Gene: TRDN (triadin; minus strand). Cytogenetic location: 6q22.31.
Variant type: single nucleotide variant.
Coding change: c.119T>C on transcript NM_006073.4 (MANE Select); coding-DNA position 119, T replaced by C.
Protein change: p.Ile40Thr; replaces isoleucine 40 with threonine.
Molecular consequence: missense variant.
Genome position (GRCh38, 1-based): chr6:123,571,036, A>G on the plus strand (T>C on the coding strand, the complement: TRDN is on the minus strand). VCF-style: chr6-123571036-A-G. GRCh37 (hg19) VCF-style: chr6-123892181-A-G.
Other names: c.119T>C, p.Ile40Thr (NM_001251987.2, NM_001256020.2, NM_001256021.2 and 2 more transcripts); c.119T>C (NM_006073.2); short protein forms I40T.
Identifiers: ClinVar variation 2186945 (VCV002186945.5), dbSNP rs760326107, ClinGen allele CA3984469.